The following is an entry in ClinVar:

ClinVar aggregate classification (germline): Pathogenic (1 of 4 stars; one submission).

Conditions:
Hypertrophic cardiomyopathy. Also called: HYPERTROPHIC MYOCARDIOPATHY. Identifiers: Orphanet 217569, MedGen C0007194, MeSH D002312, MONDO:0005045, HP:0001639.

Submission:

Labcorp Genetics (formerly Invitae), Labcorp
Classification: Pathogenic for Hypertrophic cardiomyopathy. Last evaluated: 2019-03-14. Review status: criteria provided, single submitter. Criteria: Invitae Variant Classification Sherloc (09022015). Collection method: clinical testing. Allele origin: germline.
Comment: Loss-of-function variants in MYBPC3 are known to be pathogenic (PMID: 19574547). For these reasons, this variant has been classified as Pathogenic. This variant has not been reported in the literature in individuals with MYBPC3-related conditions. This variant is not present in population databases (ExAC no frequency). This sequence change creates a premature translational stop signal (p.Gly747Alafs*7) in the MYBPC3 gene. It is expected to result in an absent or disrupted protein product.

Literature cited by the submitters: PubMed 19574547.

NM_000256.3(MYBPC3):c.2240_2245delinsCCTTC (p.Gly747fs)

Gene: MYBPC3 (myosin binding protein C3; minus strand). Cytogenetic location: 11p11.2.
Variant type: Indel.
Coding change: c.2240_2245delinsCCTTC on transcript NM_000256.3 (MANE Select); coding-DNA positions 2240 to 2245, GCGTCT replaced by CCTTC.
Protein change: p.Gly747fs; shifts the reading frame from glycine 747.
Molecular consequence: frameshift variant.
Genome position (GRCh38, 1-based): chr11:47,338,583-47,338,588, AGACGC replaced by GAAGG on the plus strand (GCGTCT replaced by CCTTC on the coding strand, the reverse complement: MYBPC3 is on the minus strand). VCF-style: chr11-47338583-AGACGC-GAAGG. GRCh37 (hg19) VCF-style: chr11-47360134-AGACGC-GAAGG.
Other names: short protein forms G747fs.
Identifiers: ClinVar variation 849425 (VCV000849425.7), dbSNP rs2095884984, ClinGen allele CA916081644.